The following is an entry in ClinVar:

NM_000518.5(HBB):c.316-198G>A

Genes: HBB (hemoglobin subunit beta; minus strand), LOC107133510 (origin of replication at HBB; plus strand), LOC110006319 (beta-globin gene 3' regulatory region; plus strand). Cytogenetic location: 11p15.4.
Variant type: single nucleotide variant.
Coding change: c.316-198G>A on transcript NM_000518.5 (MANE Select); 198 bases into the intron before coding-DNA position 316, G replaced by A.
Molecular consequence: intron variant.
Genome position (GRCh38, 1-based): chr11:5,225,924, C>T on the plus strand (G>A on the coding strand, the complement: HBB is on the minus strand). VCF-style: chr11-5225924-C-T. GRCh37 (hg19) VCF-style: chr11-5247154-C-T.
Identifiers: ClinVar variation 981074 (VCV000981074.16), dbSNP rs547258651, ClinGen allele CA1139661791.

ClinVar aggregate classification (germline): Conflicting classifications of pathogenicity. Review status: criteria provided, conflicting classifications (1 of 4 stars). 5 submissions from 5 submitters: Uncertain significance (1); Likely benign (3). 1 of the submissions does not count toward it. Last evaluated 2024-12-12.

Conditions:
HBB-related disorder. Also called: HBB-related condition; HBB-related disorders. Identifiers: MedGen CN239378.

Submissions (5):

Women's Health and Genetics/Laboratory Corporation of America, LabCorp
Classification: Likely benign. Last evaluated: 2024-12-12. Review status: criteria provided, single submitter. Criteria: LabCorp Variant Classification Summary - May 2015. Collection method: clinical testing. Allele origin: germline.

Labcorp Genetics (formerly Invitae), Labcorp
Classification: Likely benign. Last evaluated: 2023-09-19. Review status: criteria provided, single submitter. Criteria: Invitae Variant Classification Sherloc (09022015). Collection method: clinical testing. Allele origin: germline.

ARUP Laboratories, Molecular Genetics and Genomics, ARUP Laboratories
Classification: Likely benign. Last evaluated: 2022-09-13. Review status: criteria provided, single submitter. Criteria: ARUP Molecular Germline Variant Investigation Process 2021. Collection method: clinical testing. Allele origin: germline.

Blueprint Genetics
Classification: Uncertain significance. Last evaluated: 2020-05-14. Review status: criteria provided, single submitter. Criteria: ACMG Guidelines, 2015. Collection method: clinical testing. Allele origin: germline.

PreventionGenetics, part of Exact Sciences
Classification: Likely benign for HBB-related condition. Last evaluated: 2019-05-23. Review status: no assertion criteria provided. Collection method: clinical testing. Allele origin: germline. Not counted in ClinVar's aggregate classification.
Comment: This variant is classified as likely benign based on ACMG/AMP sequence variant interpretation guidelines (Richards et al. 2015 PMID: 25741868, with internal and published modifications).